The following is an entry in ClinVar:

NM_001267550.2(TTN):c.48326_48331del (p.Val16109_Thr16110del)

Genes: TTN (titin; minus strand), TTN-AS1 (TTN antisense RNA 1; plus strand). Cytogenetic location: 2q31.2.
Variant type: Deletion.
Coding change: c.48326_48331del on transcript NM_001267550.2 (MANE Select); coding-DNA positions 48326 to 48331, 6 bases deleted (TGACTG; older notation c.48326_48331delTGACTG).
Protein change: p.Val16109_Thr16110del.
Molecular consequence: inframe deletion.
Genome position (GRCh38, 1-based): chr2:178,615,770-178,615,775, CAGTCA deleted on the plus strand (TGACTG on the coding strand, the reverse complement: TTN is on the minus strand); deleting any 6 consecutive bases within chr2:178,615,770-178,615,777 gives the same sequence; the c. name uses the placement nearest the transcript's 3' end. VCF-style (leftmost placement, unchanged base first): chr2-178615769-TCAGTCA-T. GRCh37 (hg19) VCF-style: chr2-179480496-TCAGTCA-T.
Other names: c.43403_43408del, p.Val14468_Thr14469del (NM_001256850.1); c.21131_21136del, p.Val7044_Thr7045del (NM_003319.4); c.40622_40627del, p.Val13541_Thr13542del (NM_133378.4); c.21506_21511del, p.Val7169_Thr7170del (NM_133432.3); c.21707_21712del, p.Val7236_Thr7237del (NM_133437.4); c.21131_21136delTGACTG (NM_003319.4).
Identifiers: ClinVar variation 2566385 (VCV002566385.2), dbSNP rs745970832, ClinGen allele CA1994847.

ClinVar aggregate classification (germline): Uncertain significance (1 of 4 stars; one submission).

Conditions:
Cardiovascular phenotype. Identifiers: MedGen CN230736.

Submission:

Ambry Genetics
Classification: Uncertain significance for Cardiovascular phenotype. Last evaluated: 2023-04-18. Review status: criteria provided, single submitter. Criteria: Ambry Variant Classification Scheme 2023. Collection method: clinical testing. Allele origin: germline.
Comment: The c.21131_21136delTGACTG variant (also known as p.V7044_T7045del) is located in coding exon 85 of the TTN gene. This variant results from an in-frame TGACTG deletion at nucleotide positions 21131 to 21136. This results in the in-frame deletion of two amino acids at codons 7044 and 7045. These amino acid positions are not well conserved in available vertebrate species. In addition, this alteration is predicted to be deleterious by in silico analysis (Choi Y et al. PLoS ONE. 2012; 7(10):e46688). Since supporting evidence is limited at this time, the clinical significance of this alteration remains unclear.